The following is an entry in ClinVar:

NM_000321.3(RB1):c.500G>A (p.Arg167Lys)

Gene: RB1 (RB transcriptional corepressor 1; plus strand). Cytogenetic location: 13q14.2.
Variant type: single nucleotide variant.
Coding change: c.500G>A on transcript NM_000321.3 (MANE Select); coding-DNA position 500, G replaced by A.
Protein change: p.Arg167Lys; replaces arginine 167 with lysine.
Molecular consequence: missense variant.
Genome position (GRCh38, 1-based): chr13:48,345,199, G>A. VCF-style: chr13-48345199-G-A. GRCh37 (hg19) VCF-style: chr13-48919335-G-A.
Other names: c.500G>A, p.Arg167Lys (NM_001407165.1, NM_001407166.1); short protein forms R167K.
Identifiers: ClinVar variation 2585729 (VCV002585729.6), dbSNP rs2138087857, ClinGen allele CA388252863.

ClinVar aggregate classification (germline): Uncertain significance. Review status: criteria provided, multiple submitters, no conflicts (2 of 4 stars). 3 submissions from 3 submitters: Uncertain significance (3). Last evaluated 2023-08-09.

Conditions:
Hereditary cancer-predisposing syndrome. Also called: Hereditary neoplastic syndrome; Tumor predisposition; Hereditary Cancer Syndrome; Neoplastic Syndromes, Hereditary. Identifiers: Orphanet 140162, MedGen C0027672, MeSH D009386, MONDO:0015356.
Retinoblastoma (RB1). Also called: RETINOBLASTOMA, SOMATIC. Identifiers: Orphanet 790, MedGen C0035335, MeSH D012175, MONDO:0008380, OMIM 180200, HP:0009919. Disease mechanism: loss of function. Inheritance: Both sporadic and heritable forms are tested..

Submissions (3):

Ambry Genetics
Classification: Uncertain significance for Hereditary cancer-predisposing syndrome. Last evaluated: 2023-08-09. Review status: criteria provided, single submitter. Criteria: Ambry Variant Classification Scheme 2023. Collection method: clinical testing. Allele origin: germline.
Comment: The c.500G>A variant (also known as p.R167K), located in coding exon 4 of the RB1 gene, results from a G to A substitution at nucleotide position 500. The amino acid change results in arginine to lysine at codon 167, an amino acid with highly similar properties. However, this change occurs in the last base pair of coding exon 4, which makes it likely to have some effect on normal mRNA splicing. This nucleotide position is highly conserved in available vertebrate species. This amino acid position is highly conserved in available vertebrate species. In silico splice site analysis predicts that this alteration will result in the creation or strengthening of a novel splice donor site. In addition, as a missense substitution this is predicted to be tolerated by in silico analysis. Since supporting evidence is limited at this time, the clinical significance of this alteration remains unclear.

All of Us Research Program, National Institutes of Health
Classification: Uncertain significance for Retinoblastoma. Last evaluated: 2023-06-08. Review status: criteria provided, single submitter. Criteria: ACMG Guidelines, 2015. Collection method: clinical testing. Allele origin: germline. Inheritance: Autosomal dominant inheritance. Observed: 1 variant allele, 1 heterozygote.
Comment: This missense variant replaces arginine with lysine at codon 167 of the RB1 protein. Computational prediction suggests that this variant may not impact protein structure and function (internally defined REVEL score threshold <= 0.5, PMID: 27666373). This variant also replaces the conserved terminal guanine of exon 4 with adenine. Splice site prediction tools suggest that this variant may impact RNA splicing. To our knowledge, RNA studies have not been reported for this variant. This variant has not been reported in individuals affected with RB1-related disorders in the literature. This variant has not been identified in the general population by the Genome Aggregation Database (gnomAD). The available evidence is insufficient to determine the role of this variant in disease conclusively. Therefore, this variant is classified as a Variant of Uncertain Significance.

This study involves interpretation of variants in research participants for the purpose of population health screening. Participant phenotype was not available at the time of variant classification. Additional details can be found in publication PMID: 35346344, PMCID: PMC8962531

Labcorp Genetics (formerly Invitae), Labcorp
Classification: Uncertain significance for Retinoblastoma. Last evaluated: 2023-02-21. Review status: criteria provided, single submitter. Criteria: Invitae Variant Classification Sherloc (09022015). Collection method: clinical testing. Allele origin: germline.
Comment: This variant is not present in population databases (gnomAD no frequency). This sequence change replaces arginine, which is basic and polar, with lysine, which is basic and polar, at codon 167 of the RB1 protein (p.Arg167Lys). This variant also falls at the last nucleotide of exon 4, which is part of the consensus splice site for this exon. This variant has not been reported in the literature in individuals affected with RB1-related conditions. An algorithm developed to predict the effect of missense changes on protein structure and function (PolyPhen-2) suggests that this variant is likely to be disruptive. Variants that disrupt the consensus splice site are a relatively common cause of aberrant splicing (PMID: 17576681, 9536098). Studies have shown that this missense change is associated with altered splicing resulting in unknown protein product impact (Invitae). In summary, the available evidence is currently insufficient to determine the role of this variant in disease. Therefore, it has been classified as a Variant of Uncertain Significance.

Literature cited by the submitters: PubMed 17576681 (cited by Labcorp Genetics (formerly Invitae), Labcorp); PubMed 9536098 (cited by Labcorp Genetics (formerly Invitae), Labcorp).